The following is an entry in ClinVar:

ClinVar aggregate classification (germline): Likely pathogenic (1 of 4 stars; one submission).

Conditions:
Menkes kinky-hair syndrome (MNK). Also called: Copper transport disease; Menkes Disease; Classic Menkes Disease. Identifiers: Orphanet 565, MedGen C0022716, MONDO:0010651, OMIM 309400.

Submission:

3billion
Classification: Likely pathogenic for Menkes kinky-hair syndrome. Last evaluated: 2024-02-13. Review status: criteria provided, single submitter. Criteria: ACMG Guidelines, 2015. Collection method: clinical testing. Allele origin: germline. Affected: yes.
Comment: The variant is not observed in the gnomAD v2.1.1 dataset. Predicted Consequence/Location: Stop-gained (nonsense): predicted to result in a loss or disruption of normal protein function through nonsense-mediated decay (NMD) or protein truncation. Multiple pathogenic variants are reported downstream of the variant. Therefore, this variant is classified as Likely pathogenic according to the recommendation of ACMG/AMP guideline.

NM_000052.7(ATP7A):c.1540G>T (p.Glu514Ter)

Gene: ATP7A (ATPase copper transporting alpha; plus strand). Cytogenetic location: Xq21.1.
Variant type: single nucleotide variant.
Coding change: c.1540G>T on transcript NM_000052.7 (MANE Select); coding-DNA position 1540, G replaced by T.
Protein change: p.Glu514Ter; replaces glutamic acid 514 with a stop codon.
Molecular consequence: nonsense.
Genome position (GRCh38, 1-based): chrX:77,998,681, G>T. VCF-style: chrX-77998681-G-T. GRCh37 (hg19) VCF-style: chrX-77254178-G-T.
Other names: c.1540G>T, p.Glu514Ter (NM_001282224.2); short protein forms E514*.
Identifiers: ClinVar variation 3775857 (VCV003775857.1).